The following is an entry in ClinVar:

ClinVar aggregate classification (germline): Pathogenic/Likely pathogenic. Review status: criteria provided, multiple submitters, no conflicts (2 of 4 stars). 9 submissions from 9 submitters: Pathogenic (6); Likely pathogenic (1). 2 of the submissions do not count toward it. Last evaluated 2025-08-16.

Conditions:
TRPC6-related disorder. Also called: TRPC6-related condition.
Nephrotic syndrome. Identifiers: MedGen C0027726, MONDO:0005377, HP:0000100.
Focal segmental glomerulosclerosis 2 (FSGS2). Identifiers: Orphanet 656, MedGen C1858915, MONDO:0011390, OMIM 603965.

Submissions (9):

Labcorp Genetics (formerly Invitae), Labcorp
Classification: Pathogenic. Last evaluated: 2025-08-16. Review status: criteria provided, single submitter. Criteria: Invitae Variant Classification Sherloc (09022015). Collection method: clinical testing. Allele origin: germline.
Comment: This sequence change replaces arginine, which is basic and polar, with tryptophan, which is neutral and slightly polar, at codon 175 of the TRPC6 protein (p.Arg175Trp). This variant is not present in population databases (gnomAD no frequency). This missense change has been observed in individual(s) with focal segmental glomerulosclerosis (PMID: 28204945, 33884742). In at least one individual the variant was observed to be de novo. ClinVar contains an entry for this variant (Variation ID: 222850). Invitae Evidence Modeling of protein sequence and biophysical properties (such as structural, functional, and spatial information, amino acid conservation, physicochemical variation, residue mobility, and thermodynamic stability) indicates that this missense variant is expected to disrupt TRPC6 protein function with a positive predictive value of 95%. For these reasons, this variant has been classified as Pathogenic.

3billion
Classification: Pathogenic for Focal segmental glomerulosclerosis 2. Last evaluated: 2024-12-31. Review status: criteria provided, single submitter. Criteria: ACMG Guidelines, 2015. Collection method: clinical testing. Allele origin: germline. Affected: yes.
Comment: The variant is not observed in the gnomAD v4.1.0 dataset. Predicted Consequence/Location: Missense variant In silico tool predictions suggest damaging effect of the variant on gene or gene product [3Cnet: 0.86 (>=0.6, sensitivity 0.72 and precision 0.9)]. The same nucleotide change resulting in the same amino acid change has been previously reported as pathogenic/likely pathogenic with strong evidence (ClinVar ID: VCV000222850 /PMID: 28204945). The variant has been observed in multiple (>3) similarly affected unrelated individuals (PMID: 28117080, 28204945, 31937884, 33884742). The variant has been previously reported as assumed (i.e. paternity and maternity not confirmed) de novo in at least two similarly affected unrelated individuals (PMID: 28204945, 31937884, 33884742). Different missense changes at the same codon (p.Arg175Gln, p.Arg175Gly) have been reported as pathogenic/likely pathogenic with strong evidence (ClinVar ID: VCV000829823 / PMID: 23291369, 32604935). Therefore, this variant is classified as Pathogenic according to the recommendation of ACMG/AMP guideline.

Precision Medicine Center, Zhengzhou University
Classification: Likely pathogenic for Focal segmental glomerulosclerosis 2. Last evaluated: 2023-12-01. Review status: criteria provided, single submitter. Criteria: ACMG Guidelines, 2015. Collection method: clinical testing. Allele origin: de novo. Affected: yes.
Comment: PS2,PM2_p,PP3

PreventionGenetics, part of Exact Sciences
Classification: Pathogenic for TRPC6-related condition. Last evaluated: 2023-04-03. Review status: criteria provided, single submitter. Criteria: ACMG Guidelines, 2015. Collection method: clinical testing. Allele origin: germline.
Comment: The TRPC6 c.523C>T variant is predicted to result in the amino acid substitution p.Arg175Trp. This variant has been reported in multiple individuals with focal segmental glomerulosclerosis (de novo in Wang et al. 2017. PubMed ID: 28204945; Bierzynska et al. 2017. PubMed ID: 28117080; de novo in Nagano et al. 2020. PubMed ID: 31937884; de novo in Hanafusa et al. 2021. PubMed ID: 33884742). This variant has not been reported in a large population database, indicating this variant is rare. Of note, different substitutions at the same codon (p.Arg175Gln and p.Arg175Gly) have been reported to be pathogenic for focal segmental glomerulosclerosis (Hofstra et al. 2013. PubMed ID: 23291369; Table S2, Park et al. 2020. PubMed ID: 32604935 ). The c.523C>T (p.Arg175Trp) variant is interpreted as pathogenic.

Servicio Canario de Salud, Hospital Universitario Nuestra Sra. de Candelaria
Classification: Pathogenic for Focal segmental glomerulosclerosis 2. Last evaluated: 2022-11-29. Review status: criteria provided, single submitter. Criteria: ACMG Guidelines, 2015. Collection method: clinical testing. Allele origin: paternal, de novo. Inheritance: Autosomal dominant inheritance. Affected: yes. Observed: 2 heterozygotes.
Comment: Negative autoimmune study, proteinuria in the nephrotic range, hypocalcemia and hyperphosphatemia. In summary, c.523C>T TRPC6 variant meets our criteria to be classified as pathogenic based upon its absence from controls (gnomAD no frequency), computational evidence of pathogenicity (CADD, MutationTaster, SIFT, PolyPhen2), de novo occurrence in this family and specific patient´s phenotype.

Athena Diagnostics
Classification: Pathogenic. Last evaluated: 2022-01-17. Review status: criteria provided, single submitter. Criteria: Athena Diagnostics Criteria. Collection method: clinical testing. Allele origin: unknown.
Comment: This variant was not reported in large, multi-ethnic, general populations. This variant has been identified in multiple unrelated individuals with clinical features associated with this gene, including multiple apparent de novo cases. At least one other missense variant at this codon is considered to be pathogenic or likely pathogenic, suggesting this variant may also cause disease. Computational tools predict that this variant is damaging.

Baylor Genetics
Classification: Pathogenic for Focal segmental glomerulosclerosis 2. Last evaluated: 2018-02-14. Review status: criteria provided, single submitter. Criteria: ACMG Guidelines, 2015. Collection method: clinical testing. Allele origin: de novo. Affected: yes.
Comment: This variant was determined to be pathogenic according to ACMG Guidelines, 2015 [PMID:25741868]. This variant has been previously reported as a de novo change in a patient with focal segmental glomerulosclerosis [PMID 28204945]

Sydney Genome Diagnostics, Children's Hospital Westmead
Classification: Likely pathogenic for Nephrotic syndrome. Last evaluated: 2018-03-22. Review status: no assertion criteria provided. Collection method: clinical testing. Allele origin: unknown. Affected: yes. Observed: 1 variant allele, 1 heterozygote. Not counted in ClinVar's aggregate classification.
Comment: To our knowledge, this variant has not been reported in any population databases (i.e. gnomAD, ExAC, ESP or dbSNP). This variant has been reported in three patients with steroid resistant nephrotic syndrome (Bierzynska et al 2017 Kidney Int 91:937-947 PMID: 28117080; Wang et al 2017 Pediatr Nephrol 32:1181-1192 PMID:28204945; Buscher et al 2016 Clin J Am Soc Nephrol 11:245-253 PMID: 26668027). The first two papers reported the variant as de novo/sporadic in the patient. In silico analysis (through Alamut Visual v2.8.1) using PolyPhen2, SIFT and MutationTaster all predict this variant to be a likely pathogenic variant. This variant is considered to be likely pathogenic according to the ACMG guidelines.

Yale Center for Mendelian Genomics, Yale University
Classification: Likely pathogenic for Nephrotic syndrome. Last evaluated: 2017-11-10. Review status: no assertion criteria provided. Collection method: literature only. Allele origin: germline. Affected: yes. Observed: 1 heterozygote. Study: Yale Center for Mendelian Genomics. Not counted in ClinVar's aggregate classification.

Literature cited by the submitters: PubMed 28204945 (cited by 4 submitters); PubMed 33884742 (cited by 3 submitters); PubMed 28117080 (cited by 3billion and Athena Diagnostics); PubMed 23291369 (cited by 3billion); PubMed 31937884 (cited by 3billion and Athena Diagnostics); PubMed 30295827 (cited by Athena Diagnostics); PubMed 29127259 (cited by Athena Diagnostics and Yale Center for Mendelian Genomics, Yale University).

NM_004621.6(TRPC6):c.523C>T (p.Arg175Trp)

Gene: TRPC6 (transient receptor potential cation channel subfamily C member 6; minus strand). Cytogenetic location: 11q22.1.
Variant type: single nucleotide variant.
Coding change: c.523C>T on transcript NM_004621.6 (MANE Select); coding-DNA position 523, C replaced by T.
Protein change: p.Arg175Trp; replaces arginine 175 with tryptophan.
Molecular consequence: missense variant.
Genome position (GRCh38, 1-based): chr11:101,504,446, G>A on the plus strand (C>T on the coding strand, the complement: TRPC6 is on the minus strand). VCF-style: chr11-101504446-G-A. GRCh37 (hg19) VCF-style: chr11-101375177-G-A.
Other names: short protein forms R175W.
Identifiers: ClinVar variation 222850 (VCV000222850.14), dbSNP rs869025541, ClinGen allele CA352054.
Genomic context (GRCh38, chr11:101,504,446, plus strand): 5'-TGGTTGCTAACCTCTTGCCTTCAGCAAAAGCCGGATGACTGAGAATTGCTTCCACAATCC[G>A]AACATAACCTTTACTAATAGCTAGAAGCAAAGCATCCCCAACTCGAGAGAGGTTTTCTTT-3'
Protein context (NP_004612.2, residues 165-185): LLLAISKGYV[Arg175Trp]IVEAILSHPA